The following is an entry in ClinVar:

ClinVar aggregate classification (germline): Uncertain significance. Review status: criteria provided, multiple submitters, no conflicts (2 of 4 stars). 2 submissions from 2 submitters: Uncertain significance (2). Last evaluated 2023-11-17.

Conditions:
Inborn genetic diseases. Identifiers: MedGen C0950123, MeSH D030342.

Allele frequency attached by ClinVar (database versions not stated): 1000 Genomes Project 30x 0.00016.
gnomAD v4.1: 36 of 1,613,972 alleles (0.0022%); highest among the groups gnomAD compares: Admixed American, 0.01%; no homozygotes.

Submissions (2):

Ambry Genetics
Classification: Uncertain significance for Inborn genetic diseases. Last evaluated: 2023-11-17. Review status: criteria provided, single submitter. Criteria: Ambry Variant Classification Scheme 2023. Collection method: clinical testing. Allele origin: germline.

Labcorp Genetics (formerly Invitae), Labcorp
Classification: Uncertain significance. Last evaluated: 2022-07-30. Review status: criteria provided, single submitter. Criteria: Invitae Variant Classification Sherloc (09022015). Collection method: clinical testing. Allele origin: germline.
Comment: This sequence change replaces valine, which is neutral and non-polar, with leucine, which is neutral and non-polar, at codon 199 of the C9 protein (p.Val199Leu). This variant is present in population databases (rs753583142, gnomAD 0.01%). This variant has not been reported in the literature in individuals affected with C9-related conditions. ClinVar contains an entry for this variant (Variation ID: 1384149). Algorithms developed to predict the effect of missense changes on protein structure and function output the following: SIFT: "Not Available"; PolyPhen-2: "Benign"; Align-GVGD: "Not Available". The leucine amino acid residue is found in multiple mammalian species, which suggests that this missense change does not adversely affect protein function. In summary, the available evidence is currently insufficient to determine the role of this variant in disease. Therefore, it has been classified as a Variant of Uncertain Significance.

NM_001737.5(C9):c.595G>C (p.Val199Leu)

Gene: C9 (complement C9; minus strand). Cytogenetic location: 5p13.1.
Variant type: single nucleotide variant.
Coding change: c.595G>C on transcript NM_001737.5 (MANE Select); coding-DNA position 595, G replaced by C.
Protein change: p.Val199Leu; replaces valine 199 with leucine.
Molecular consequence: missense variant.
Genome position (GRCh38, 1-based): chr5:39,331,696, C>G on the plus strand (G>C on the coding strand, the complement: C9 is on the minus strand). VCF-style: chr5-39331696-C-G. GRCh37 (hg19) VCF-style: chr5-39331798-C-G.
Other names: c.595G>C (NM_001737.3); short protein forms V199L.
Identifiers: ClinVar variation 1384149 (VCV001384149.5), dbSNP rs753583142, ClinGen allele CA3246955.